The following is an entry in ClinVar:

NM_145698.5(ACBD5):c.841G>C (p.Asp281His)

Gene: ACBD5 (acyl-CoA binding domain containing 5; minus strand). Cytogenetic location: 10p12.1.
Variant type: single nucleotide variant.
Coding change: c.841G>C on transcript NM_145698.5 (MANE Select); coding-DNA position 841, G replaced by C.
Protein change: p.Asp281His; replaces aspartic acid 281 with histidine.
Molecular consequence: missense variant.
Genome position (GRCh38, 1-based): chr10:27,215,630, C>G on the plus strand (G>C on the coding strand, the complement: ACBD5 is on the minus strand). VCF-style: chr10-27215630-C-G. GRCh37 (hg19) VCF-style: chr10-27504559-C-G.
Other names: c.736G>C, p.Asp246His (NM_001042473.4, NM_001352577.2, NM_001352578.2 and 1 more transcripts); c.835G>C, p.Asp279His (NM_001271512.3); c.514G>C, p.Asp172His (NM_001301251.2, NM_001301252.2, NM_001301253.2 and 2 more transcripts); c.310G>C, p.Asp104His (NM_001301254.2); c.895G>C, p.Asp299His (NM_001352568.1); c.874G>C, p.Asp292His (NM_001352569.1); c.841G>C, p.Asp281His (NM_001352570.1); c.868G>C, p.Asp290His (NM_001352571.1); and 10 more; short protein forms D104H, D178H, D183H, D222H, D224H, D281H, D288H, D292H.
Identifiers: ClinVar variation 1428996 (VCV001428996.6), dbSNP rs964271157, ClinGen allele CA376374838.

ClinVar aggregate classification (germline): Uncertain significance (1 of 4 stars; one submission).

Submission:

Labcorp Genetics (formerly Invitae), Labcorp
Classification: Uncertain significance. Last evaluated: 2022-06-13. Review status: criteria provided, single submitter. Criteria: Invitae Variant Classification Sherloc (09022015). Collection method: clinical testing. Allele origin: germline.
Comment: In summary, the available evidence is currently insufficient to determine the role of this variant in disease. Therefore, it has been classified as a Variant of Uncertain Significance. Algorithms developed to predict the effect of missense changes on protein structure and function are either unavailable or do not agree on the potential impact of this missense change (SIFT: "Deleterious"; PolyPhen-2: "Benign"; Align-GVGD: "Class C0"). This variant has not been reported in the literature in individuals affected with ACBD5-related conditions. This variant is not present in population databases (gnomAD no frequency). This sequence change replaces aspartic acid, which is acidic and polar, with histidine, which is basic and polar, at codon 281 of the ACBD5 protein (p.Asp281His).